The following is an entry in ClinVar:

ClinVar aggregate classification (germline): Likely pathogenic (1 of 4 stars; one submission).

Conditions:
Hereditary cancer-predisposing syndrome. Also called: Neoplastic Syndromes, Hereditary; Tumor predisposition; Hereditary Cancer Syndrome; Hereditary neoplastic syndrome. Identifiers: Orphanet 140162, MedGen C0027672, MeSH D009386, MONDO:0015356.

Submission:

Ambry Genetics
Classification: Likely pathogenic for Hereditary cancer-predisposing syndrome. Last evaluated: 2026-08-18. Review status: criteria provided, single submitter. Criteria: Ambry Variant Classification Scheme 2023. Collection method: clinical testing. Allele origin: germline.
Comment: The c.80+4delAinsTTAC intronic variant begins 4 nucleotides after coding exon 1 in the BRCA1 gene. This variant results from a deletion of one nucleotide and the insertion of four nucleotides at nucleotide position 80+4.This nucleotide position is highly conserved in available vertebrate species. In silico splice site analysis predicts that this alteration will weaken the native splice donor site. RNA studies have demonstrated that this variant results in abnormal splicing in the set of samples tested (Ambry internal data). This variant is considered to be rare based on population cohorts in the Genome Aggregation Database (gnomAD). Based on the majority of available evidence to date, this variant is likely to be pathogenic.

NM_007294.4(BRCA1):c.80+4delinsTTAC

Gene: BRCA1 (BRCA1 DNA repair associated; minus strand). Cytogenetic location: 17q21.31.
Variant type: Indel.
Coding change: c.80+4delinsTTAC on transcript NM_007294.4 (MANE Select); 4 bases into the intron after coding-DNA position 80, A replaced by TTAC.
Molecular consequence: intron variant.
Genome position (GRCh38, 1-based): chr17:43,124,013, T replaced by GTAA on the plus strand (A replaced by TTAC on the coding strand, the reverse complement: BRCA1 is on the minus strand). VCF-style: chr17-43124013-T-GTAA. GRCh37 (hg19) VCF-style: chr17-41276030-T-GTAA.
Other names: c.-224+1258delinsTTAC (NM_001407960.1); c.-62+1258delinsTTAC (NM_001408505.1, NM_001407964.1, NM_001407844.1 and 6 more transcripts); c.-109+4delinsTTAC (NM_001407899.1, NM_001408507.1, NM_001408502.1 and 46 more transcripts); c.80+4delinsTTAC (NM_001408495.1, NM_001408448.1, NM_001408421.1 and 192 more transcripts); c.-8+4delinsTTAC (NM_001407936.1, NM_001407849.1, NM_001407845.1 and 23 more transcripts); c.-340+4delinsTTAC (NM_001407965.1); c.-178+4delinsTTAC (NM_001407930.1, NM_001407843.1, NM_001408456.1 and 11 more transcripts); c.-182+4delinsTTAC (NM_001408465.1, NM_001407695.1); and 23 more.
Identifiers: ClinVar variation 4867734 (VCV004867734.2).